The following is an entry in ClinVar:

ClinVar aggregate classification (germline): Benign (0 of 4 stars; one submission).

Conditions:
HEPHL1-related disorder. Also called: HEPHL1-related condition.

Allele frequency attached by ClinVar (database versions not stated): 1000 Genomes Project 30x 0.00609; ESP Exome Variant Server 0.00352; 1000 Genomes Project 0.00579.
gnomAD v4.1: 10,394 of 1,613,606 alleles (0.64%); highest among the groups gnomAD compares: South Asian, 2.8%; 89 homozygotes.

Submission:

PreventionGenetics, part of Exact Sciences
Classification: Benign for HEPHL1-related condition. Last evaluated: 2019-10-30. Review status: no assertion criteria provided. Collection method: clinical testing. Allele origin: germline.
Comment: This variant is classified as benign based on ACMG/AMP sequence variant interpretation guidelines (Richards et al. 2015 PMID: 25741868, with internal and published modifications).

NM_001098672.2(HEPHL1):c.2760C>A (p.Asp920Glu)

Gene: HEPHL1 (hephaestin like 1; plus strand). Cytogenetic location: 11q21.
Variant type: single nucleotide variant.
Coding change: c.2760C>A on transcript NM_001098672.2 (MANE Select); coding-DNA position 2760, C replaced by A.
Protein change: p.Asp920Glu; replaces aspartic acid 920 with glutamic acid.
Molecular consequence: missense variant.
Genome position (GRCh38, 1-based): chr11:94,104,605, C>A. VCF-style: chr11-94104605-C-A. GRCh37 (hg19) VCF-style: chr11-93837771-C-A.
Other names: short protein forms D920E.
Identifiers: ClinVar variation 3038568 (VCV003038568.2), dbSNP rs148114445, ClinGen allele CA6233638.